The following is an entry in ClinVar:

ClinVar aggregate classification (germline): Uncertain significance. Review status: criteria provided, multiple submitters, no conflicts (2 of 4 stars). 2 submissions from 2 submitters: Uncertain significance (2). Last evaluated 2023-11-28.

Conditions:
Inborn genetic diseases. Identifiers: MedGen C0950123, MeSH D030342.
Short-rib thoracic dysplasia 11 with or without polydactyly (SRTD11). Also called: SHORT-RIB THORACIC DYSPLASIA 11 WITHOUT POLYDACTYLY. Identifiers: Orphanet 474, Orphanet 93271, MedGen C3810200, MONDO:0014287, OMIM 615633.

Allele frequency attached by ClinVar (database versions not stated): gnomAD exomes 0.00001 and 0.00003; ExAC 0.00003.

Submissions (2):

Ambry Genetics
Classification: Uncertain significance for Inborn genetic diseases. Last evaluated: 2023-11-28. Review status: criteria provided, single submitter. Criteria: Ambry Variant Classification Scheme 2023. Collection method: clinical testing. Allele origin: germline.

Labcorp Genetics (formerly Invitae), Labcorp
Classification: Uncertain significance for Short-rib thoracic dysplasia 11 with or without polydactyly. Last evaluated: 2023-08-04. Review status: criteria provided, single submitter. Criteria: Invitae Variant Classification Sherloc (09022015). Collection method: clinical testing. Allele origin: germline.
Comment: ClinVar contains an entry for this variant (Variation ID: 1681227). Algorithms developed to predict the effect of missense changes on protein structure and function output the following: SIFT: "Not Available"; PolyPhen-2: "Benign"; Align-GVGD: "Not Available". The cysteine amino acid residue is found in multiple mammalian species, which suggests that this missense change does not adversely affect protein function. In summary, the available evidence is currently insufficient to determine the role of this variant in disease. Therefore, it has been classified as a Variant of Uncertain Significance. This variant has not been reported in the literature in individuals affected with WDR34-related conditions. This variant is present in population databases (rs769827993, gnomAD 0.01%). This sequence change replaces arginine, which is basic and polar, with cysteine, which is neutral and slightly polar, at codon 257 of the WDR34 protein (p.Arg257Cys).

NM_052844.4(DYNC2I2):c.769C>T (p.Arg257Cys)

Genes: DYNC2I2 (dynein 2 intermediate chain 2; minus strand), LOC126860772 (CDK7 strongly-dependent group 2 enhancer GRCh37_chr9:131396972-131398171; plus strand). Cytogenetic location: 9q34.11.
Variant type: single nucleotide variant.
Coding change: c.769C>T on transcript NM_052844.4 (MANE Select); coding-DNA position 769, C replaced by T.
Protein change: p.Arg257Cys; replaces arginine 257 with cysteine.
Molecular consequence: missense variant.
Genome position (GRCh38, 1-based): chr9:128,635,702, G>A on the plus strand (C>T on the coding strand, the complement: DYNC2I2 is on the minus strand). VCF-style: chr9-128635702-G-A. GRCh37 (hg19) VCF-style: chr9-131397981-G-A.
Other names: c.769C>T (NM_052844.3); short protein forms R257C.
Identifiers: ClinVar variation 1681227 (VCV001681227.7), dbSNP rs769827993, ClinGen allele CA5266482.